The following is an entry in ClinVar:

ClinVar aggregate classification (germline): Uncertain significance (1 of 4 stars; one submission).

Allele frequency attached by ClinVar (database versions not stated): gnomAD 0.00001 and 0.00003; TOPMed 0.00003; gnomAD exomes 0.00004; 1000 Genomes Project 30x 0.00031; 1000 Genomes Project 0.00040.
gnomAD v4.1: 50 of 1,612,766 alleles (0.0031%); highest among the groups gnomAD compares: East Asian, 0.0089%; no homozygotes.

Submission:

Labcorp Genetics (formerly Invitae), Labcorp
Classification: Uncertain significance. Last evaluated: 2023-10-04. Review status: criteria provided, single submitter. Criteria: Invitae Variant Classification Sherloc (09022015). Collection method: clinical testing. Allele origin: germline.
Comment: This sequence change replaces glutamic acid, which is acidic and polar, with lysine, which is basic and polar, at codon 480 of the ASXL1 protein (p.Glu480Lys). This variant is present in population databases (rs545224250, gnomAD 0.02%). This missense change has been observed in individual(s) with clinical features of Bohring-Opitz syndrome (Invitae). ClinVar contains an entry for this variant (Variation ID: 1420596). Algorithms developed to predict the effect of missense changes on protein structure and function output the following: SIFT: "Not Available"; PolyPhen-2: "Benign"; Align-GVGD: "Not Available". The lysine amino acid residue is found in multiple mammalian species, which suggests that this missense change does not adversely affect protein function. In summary, the available evidence is currently insufficient to determine the role of this variant in disease. Therefore, it has been classified as a Variant of Uncertain Significance.

NM_015338.6(ASXL1):c.1438G>A (p.Glu480Lys)

Gene: ASXL1 (ASXL transcriptional regulator 1; plus strand). Cytogenetic location: 20q11.21.
Variant type: single nucleotide variant.
Coding change: c.1438G>A on transcript NM_015338.6 (MANE Select); coding-DNA position 1438, G replaced by A.
Protein change: p.Glu480Lys; replaces glutamic acid 480 with lysine.
Molecular consequence: missense variant.
Genome position (GRCh38, 1-based): chr20:32,433,636, G>A. VCF-style: chr20-32433636-G-A. GRCh37 (hg19) VCF-style: chr20-31021439-G-A.
Other names: c.1255G>A, p.Glu419Lys (NM_001363734.1); short protein forms E419K, E480K.
Identifiers: ClinVar variation 1420596 (VCV001420596.6), dbSNP rs545224250, ClinGen allele CA9808355.